The following is an entry in ClinVar:

ClinVar aggregate classification (germline): Benign/Likely benign. Review status: criteria provided, multiple submitters, no conflicts (2 of 4 stars). 2 submissions from 2 submitters: Benign (1); Likely benign (1). Last evaluated 2025-11-28.

Conditions:
Autosomal dominant childhood-onset proximal spinal muscular atrophy with contractures (SMALED2A). Also called: Spinal muscular atrophy, lower extremity-predominant, 2A, autosomal dominant; SPINAL MUSCULAR ATROPHY, LOWER EXTREMITY-PREDOMINANT, 2A, CHILDHOOD ONSET, AUTOSOMAL DOMINANT. Identifiers: Orphanet 363447, Orphanet 363454, MedGen C4747715, MONDO:0014121, OMIM 615290.

Allele frequency attached by ClinVar (database versions not stated): gnomAD exomes 0.00014; ESP Exome Variant Server 0.00074; ExAC 0.00076; 1000 Genomes Project 0.00100; TOPMed 0.00102; gnomAD 0.00105 and 0.00113; 1000 Genomes Project 30x 0.00125.
gnomAD v4.1: 282 of 1,506,096 alleles (0.019%); highest among the groups gnomAD compares: African/African-American, 0.37%; no homozygotes.

Submissions (2):

Labcorp Genetics (formerly Invitae), Labcorp
Classification: Benign for Autosomal dominant childhood-onset proximal spinal muscular atrophy with contractures. Last evaluated: 2025-11-28. Review status: criteria provided, single submitter. Criteria: Invitae Variant Classification Sherloc (09022015). Collection method: clinical testing. Allele origin: germline.

GeneDx
Classification: Likely benign. Last evaluated: 2017-12-26. Review status: criteria provided, single submitter. Criteria: GeneDx Variant Classification (06012015). Collection method: clinical testing. Allele origin: germline. Affected: yes.
Comment: This variant is considered likely benign or benign based on one or more of the following criteria: it is a conservative change, it occurs at a poorly conserved position in the protein, it is predicted to be benign by multiple in silico algorithms, and/or has population frequency not consistent with disease.

NM_001003800.2(BICD2):c.240+8G>T

Gene: BICD2 (BICD cargo adaptor 2; minus strand). Cytogenetic location: 9q22.31.
Variant type: single nucleotide variant.
Coding change: c.240+8G>T on transcript NM_001003800.2 (MANE Select); 8 bases into the intron after coding-DNA position 240, G replaced by T.
Molecular consequence: intron variant.
Genome position (GRCh38, 1-based): chr9:92,764,497, C>A on the plus strand (G>T on the coding strand, the complement: BICD2 is on the minus strand). VCF-style: chr9-92764497-C-A. GRCh37 (hg19) VCF-style: chr9-95526779-C-A.
Other names: c.240+8G>T (NM_015250.4).
Identifiers: ClinVar variation 474274 (VCV000474274.12), dbSNP rs371559371, ClinGen allele CA5126869.